The following is an entry in ClinVar:

NM_000455.5(STK11):c.754C>A (p.Leu252Met)

Gene: STK11 (serine/threonine kinase 11; plus strand). Cytogenetic location: 19p13.3.
Variant type: single nucleotide variant.
Coding change: c.754C>A on transcript NM_000455.5 (MANE Select); coding-DNA position 754, C replaced by A.
Protein change: p.Leu252Met; replaces leucine 252 with methionine.
Molecular consequence: missense variant.
Genome position (GRCh38, 1-based): chr19:1,221,232, C>A. VCF-style: chr19-1221232-C-A. GRCh37 (hg19) VCF-style: chr19-1221231-C-A.
Other names: short protein forms L252M.
Identifiers: ClinVar variation 943100 (VCV000943100.9), dbSNP rs1363669559, ClinGen allele CA402950375.

ClinVar aggregate classification (germline): Uncertain significance (1 of 4 stars; one submission).

Conditions:
Peutz-Jeghers syndrome (PJS). Also called: Peutz-Jeghers polyposis; Periorificial lentiginosis syndrome; POLYPOSIS, HAMARTOMATOUS INTESTINAL; POLYPS-AND-SPOTS SYNDROME. Identifiers: Orphanet 2869, MedGen C0031269, MeSH D010580, MONDO:0008280, OMIM 175200.

Submission:

Labcorp Genetics (formerly Invitae), Labcorp
Classification: Uncertain significance for Peutz-Jeghers syndrome. Last evaluated: 2022-07-19. Review status: criteria provided, single submitter. Criteria: Invitae Variant Classification Sherloc (09022015). Collection method: clinical testing. Allele origin: germline.
Comment: In summary, the available evidence is currently insufficient to determine the role of this variant in disease. Therefore, it has been classified as a Variant of Uncertain Significance. Algorithms developed to predict the effect of sequence changes on RNA splicing suggest that this variant may create or strengthen a splice site. Advanced modeling of protein sequence and biophysical properties (such as structural, functional, and spatial information, amino acid conservation, physicochemical variation, residue mobility, and thermodynamic stability) performed at Invitae indicates that this missense variant is expected to disrupt STK11 protein function. ClinVar contains an entry for this variant (Variation ID: 943100). This variant has not been reported in the literature in individuals affected with STK11-related conditions. This variant is not present in population databases (gnomAD no frequency). This sequence change replaces leucine, which is neutral and non-polar, with methionine, which is neutral and non-polar, at codon 252 of the STK11 protein (p.Leu252Met).